The following is an entry in ClinVar:

NM_005732.4(RAD50):c.1518T>A (p.Ser506Arg)

Gene: RAD50 (RAD50 double strand break repair protein; plus strand). Cytogenetic location: 5q31.1.
Variant type: single nucleotide variant.
Coding change: c.1518T>A on transcript NM_005732.4 (MANE Select); coding-DNA position 1518, T replaced by A.
Protein change: p.Ser506Arg; replaces serine 506 with arginine.
Molecular consequence: missense variant.
Genome position (GRCh38, 1-based): chr5:132,591,289, T>A. VCF-style: chr5-132591289-T-A. GRCh37 (hg19) VCF-style: chr5-131926981-T-A.
Other names: c.1518T>A (NM_005732.3); short protein forms S506R.
Identifiers: ClinVar variation 2015647 (VCV002015647.5), dbSNP rs763122826, ClinGen allele CA360945680.

ClinVar aggregate classification (germline): Uncertain significance. Review status: criteria provided, multiple submitters, no conflicts (2 of 4 stars). 2 submissions from 2 submitters: Uncertain significance (2). Last evaluated 2026-07-19.

Conditions:
Hereditary cancer-predisposing syndrome. Also called: Hereditary neoplastic syndrome; Neoplastic Syndromes, Hereditary; Tumor predisposition; Hereditary Cancer Syndrome. Identifiers: Orphanet 140162, MedGen C0027672, MeSH D009386, MONDO:0015356.

Submissions (2):

Ambry Genetics
Classification: Uncertain significance for Hereditary cancer-predisposing syndrome. Last evaluated: 2026-07-19. Review status: criteria provided, single submitter. Criteria: Ambry Variant Classification Scheme 2023. Collection method: clinical testing. Allele origin: germline.
Comment: The p.S506R variant (also known as c.1518T>A), located in coding exon 10 of the RAD50 gene, results from a T to A substitution at nucleotide position 1518. The serine at codon 506 is replaced by arginine, an amino acid with dissimilar properties. This amino acid position is conserved. In addition, this alteration is predicted to be tolerated by in silico analysis. Based on the available evidence, the clinical significance of this variant remains unclear.

Labcorp Genetics (formerly Invitae), Labcorp
Classification: Uncertain significance for Hereditary cancer-predisposing syndrome. Last evaluated: 2022-08-06. Review status: criteria provided, single submitter. Criteria: Invitae Variant Classification Sherloc (09022015). Collection method: clinical testing. Allele origin: germline.
Comment: In summary, the available evidence is currently insufficient to determine the role of this variant in disease. Therefore, it has been classified as a Variant of Uncertain Significance. Algorithms developed to predict the effect of missense changes on protein structure and function (SIFT, PolyPhen-2, Align-GVGD) all suggest that this variant is likely to be tolerated. This variant has not been reported in the literature in individuals affected with RAD50-related conditions. This variant is not present in population databases (gnomAD no frequency). This sequence change replaces serine, which is neutral and polar, with arginine, which is basic and polar, at codon 506 of the RAD50 protein (p.Ser506Arg).